The following is an entry in ClinVar:

NM_001018115.3(FANCD2):c.3772C>G (p.Gln1258Glu)

Genes: FANCD2 (FA complementation group D2; plus strand), FANCD2OS (FANCD2 opposite strand; minus strand). Cytogenetic location: 3p25.3.
Variant type: single nucleotide variant.
Coding change: c.3772C>G on transcript NM_001018115.3 (MANE Select); coding-DNA position 3772, C replaced by G.
Protein change: p.Gln1258Glu; replaces glutamine 1258 with glutamic acid.
Molecular consequence: missense variant. On other transcripts: intron variant (1).
Genome position (GRCh38, 1-based): chr3:10,090,380, C>G. VCF-style: chr3-10090380-C-G. GRCh37 (hg19) VCF-style: chr3-10132064-C-G.
Other names: c.3772C>G, p.Gln1258Glu (NM_001319984.2, NM_001374254.1, NM_033084.6); c.3661C>G, p.Gln1221Glu (NM_001374253.1); c.*44-8849G>C (NM_173472.2); short protein forms Q1221E, Q1258E.
Identifiers: ClinVar variation 1423617 (VCV001423617.4), dbSNP rs994778998, ClinGen allele CA70031936.

ClinVar aggregate classification (germline): Uncertain significance (1 of 4 stars; one submission).

Conditions:
Fanconi anemia (FA). Also called: Fanconi's anemia. Identifiers: Orphanet 84, MedGen C0015625, MeSH D005199, MONDO:0019391.

Allele frequency attached by ClinVar (database versions not stated): gnomAD exomes 0.00001 and below 0.00001.
gnomAD v4.1: 3 of 1,604,200 alleles (0.00019%); highest among the groups gnomAD compares: Admixed American, 0.0017%; no homozygotes.

Submission:

Labcorp Genetics (formerly Invitae), Labcorp
Classification: Uncertain significance for Fanconi anemia. Last evaluated: 2021-09-15. Review status: criteria provided, single submitter. Criteria: Invitae Variant Classification Sherloc (09022015). Collection method: clinical testing. Allele origin: germline.
Comment: This sequence change replaces glutamine with glutamic acid at codon 1258 of the FANCD2 protein (p.Gln1258Glu). The glutamine residue is moderately conserved and there is a small physicochemical difference between glutamine and glutamic acid. This variant is not present in population databases (ExAC no frequency). This variant has not been reported in the literature in individuals affected with FANCD2-related conditions. Algorithms developed to predict the effect of missense changes on protein structure and function output the following: SIFT: "Tolerated"; PolyPhen-2: "Benign"; Align-GVGD: "Class C0". The glutamic acid amino acid residue is found in multiple mammalian species, which suggests that this missense change does not adversely affect protein function. In summary, the available evidence is currently insufficient to determine the role of this variant in disease. Therefore, it has been classified as a Variant of Uncertain Significance.